The following is an entry in ClinVar:

NM_000222.3(KIT):c.838G>A (p.Ala280Thr)

Gene: KIT (KIT proto-oncogene, receptor tyrosine kinase; plus strand). Cytogenetic location: 4q12.
Variant type: single nucleotide variant.
Coding change: c.838G>A on transcript NM_000222.3 (MANE Select); coding-DNA position 838, G replaced by A.
Protein change: p.Ala280Thr; replaces alanine 280 with threonine.
Molecular consequence: missense variant.
Genome position (GRCh38, 1-based): chr4:54,703,805, G>A. VCF-style: chr4-54703805-G-A. GRCh37 (hg19) VCF-style: chr4-55569971-G-A.
Other names: c.838G>A, p.Ala280Thr (NM_001093772.2, NM_001385285.1, NM_001385286.1); c.841G>A, p.Ala281Thr (NM_001385284.1, NM_001385288.1, NM_001385290.1 and 1 more transcripts); short protein forms A280T, A281T.
Identifiers: ClinVar variation 4093200 (VCV004093200.1).

ClinVar aggregate classification (germline): Uncertain significance (1 of 4 stars; one submission).

Conditions:
Hereditary cancer-predisposing syndrome. Also called: Tumor predisposition; Neoplastic Syndromes, Hereditary; Hereditary neoplastic syndrome; Hereditary Cancer Syndrome. Identifiers: Orphanet 140162, MedGen C0027672, MeSH D009386, MONDO:0015356.

Submission:

Ambry Genetics
Classification: Uncertain significance for Hereditary cancer-predisposing syndrome. Last evaluated: 2025-09-13. Review status: criteria provided, single submitter. Criteria: Ambry Variant Classification Scheme 2023. Collection method: clinical testing. Allele origin: germline.
Comment: The p.A280T variant (also known as c.838G>A), located in coding exon 5 of the KIT gene, results from a G to A substitution at nucleotide position 838. The alanine at codon 280 is replaced by threonine, an amino acid with similar properties. This amino acid position is conserved. In addition, this alteration is predicted to be tolerated by in silico analysis. Based on the available evidence, the clinical significance of this variant remains unclear.